The following is an entry in ClinVar:

ClinVar aggregate classification (germline): Uncertain significance (1 of 4 stars; one submission).

Allele frequency attached by ClinVar (database versions not stated): gnomAD exomes 0.00001; TOPMed 0.00001.
gnomAD v4.1: 9 of 1,609,856 alleles (0.00056%); highest among the groups gnomAD compares: African/African-American, 0.0053%; no homozygotes.

Submission:

Labcorp Genetics (formerly Invitae), Labcorp
Classification: Uncertain significance. Last evaluated: 2023-09-10. Review status: criteria provided, single submitter. Criteria: Invitae Variant Classification Sherloc (09022015). Collection method: clinical testing. Allele origin: germline.
Comment: In summary, the available evidence is currently insufficient to determine the role of this variant in disease. Therefore, it has been classified as a Variant of Uncertain Significance. An algorithm developed to predict the effect of missense changes on protein structure and function (PolyPhen-2) suggests that this variant is likely to be tolerated. ClinVar contains an entry for this variant (Variation ID: 1514200). This variant has not been reported in the literature in individuals affected with HYOU1-related conditions. This variant is present in population databases (rs782801380, gnomAD 0.003%). This sequence change replaces glutamic acid, which is acidic and polar, with lysine, which is basic and polar, at codon 615 of the HYOU1 protein (p.Glu615Lys).

NM_006389.5(HYOU1):c.1843G>A (p.Glu615Lys)

Gene: HYOU1 (hypoxia up-regulated 1; minus strand). Cytogenetic location: 11q23.3.
Variant type: single nucleotide variant.
Coding change: c.1843G>A on transcript NM_006389.5 (MANE Select); coding-DNA position 1843, G replaced by A.
Protein change: p.Glu615Lys; replaces glutamic acid 615 with lysine.
Molecular consequence: missense variant.
Genome position (GRCh38, 1-based): chr11:119,049,167, C>T on the plus strand (G>A on the coding strand, the complement: HYOU1 is on the minus strand). VCF-style: chr11-119049167-C-T. GRCh37 (hg19) VCF-style: chr11-118919879-C-T.
Other names: c.1843G>A, p.Glu615Lys (NM_001130991.3); short protein forms E615K.
Identifiers: ClinVar variation 1514200 (VCV001514200.6), dbSNP rs782801380, ClinGen allele CA229619787.
Genomic context (GRCh38, chr11:119,049,167, plus strand): 5'-GAGAGCCATCCTCCACTGGGGCCTCAGCTTCCTCCTTGAGCTCCACCTGCTCCCCAGGCT[C>T]GTCCTTGCTCCCCTCTGCAGGGCTCTCCTCTTCCTCCTGGGAAACACCACAGGCGCCCCA-3'
Protein context (NP_006380.1, residues 605-625): EESPAEGSKD[Glu615Lys]PGEQVELKEE